The following is an entry in ClinVar:

NM_018557.3(LRP1B):c.393G>A (p.Met131Ile)

Gene: LRP1B (LDL receptor related protein 1B; minus strand). Cytogenetic location: 2q22.1.
Variant type: single nucleotide variant.
Coding change: c.393G>A on transcript NM_018557.3 (MANE Select); coding-DNA position 393, G replaced by A.
Protein change: p.Met131Ile; replaces methionine 131 with isoleucine.
Molecular consequence: missense variant.
Genome position (GRCh38, 1-based): chr2:141,254,592, C>T on the plus strand (G>A on the coding strand, the complement: LRP1B is on the minus strand). VCF-style: chr2-141254592-C-T. GRCh37 (hg19) VCF-style: chr2-142012161-C-T.
Other names: short protein forms M131I.
Identifiers: ClinVar variation 3053764 (VCV003053764.10), dbSNP rs151247276, ClinGen allele CA1896297.

ClinVar aggregate classification (germline): Benign. Review status: criteria provided, single submitter (1 of 4 stars). 2 submissions from 2 submitters: Benign (1). 1 of the submissions does not count toward it. Last evaluated 2025-08-01.

Conditions:
LRP1B-related disorder. Also called: LRP1B-related condition.

Allele frequency attached by ClinVar (database versions not stated): ESP Exome Variant Server 0.00208; 1000 Genomes Project 0.00280; 1000 Genomes Project 30x 0.00297.

Submissions (2):

CeGaT Center for Human Genetics Tuebingen
Classification: Benign. Last evaluated: 2025-08-01. Review status: criteria provided, single submitter. Criteria: CeGaT Center For Human Genetics Tuebingen Variant Classification Criteria Version 2. Collection method: clinical testing. Allele origin: germline. Affected: yes. Observed: 1 variant allele.
Comment: LRP1B: BS1, BS2

PreventionGenetics, part of Exact Sciences
Classification: Likely benign for LRP1B-related condition. Last evaluated: 2019-10-28. Review status: no assertion criteria provided. Collection method: clinical testing. Allele origin: germline. Not counted in ClinVar's aggregate classification.
Comment: This variant is classified as likely benign based on ACMG/AMP sequence variant interpretation guidelines (Richards et al. 2015 PMID: 25741868, with internal and published modifications).